The following is an entry in ClinVar:

NM_080552.3(SLC32A1):c.682C>T (p.Leu228Phe)

Gene: SLC32A1 (solute carrier family 32 member 1; plus strand). Cytogenetic location: 20q11.23.
Variant type: single nucleotide variant.
Coding change: c.682C>T on transcript NM_080552.3 (MANE Select); coding-DNA position 682, C replaced by T.
Protein change: p.Leu228Phe; replaces leucine 228 with phenylalanine.
Molecular consequence: missense variant.
Genome position (GRCh38, 1-based): chr20:38,727,743, C>T. VCF-style: chr20-38727743-C-T. GRCh37 (hg19) VCF-style: chr20-37356386-C-T.
Other names: short protein forms L228F.
Identifiers: ClinVar variation 5017616 (VCV005017616.1).

ClinVar aggregate classification (germline): Uncertain significance (1 of 4 stars; one submission).

Submission:

GeneDx
Classification: Uncertain significance. Last evaluated: 2026-03-26. Review status: criteria provided, single submitter. Criteria: GeneDx Variant Classification Process June 2021. Collection method: clinical testing. Allele origin: germline.
Comment: Not observed at significant frequency in large population cohorts (gnomAD); In silico analysis supports that this missense variant has a deleterious effect on protein structure/function; Has not been previously published as pathogenic or benign to our knowledge